The following is an entry in ClinVar:

ClinVar aggregate classification (germline): Conflicting classifications of pathogenicity. Review status: criteria provided, conflicting classifications (1 of 4 stars). 3 submissions from 2 submitters: Uncertain significance (2); Likely benign (1). Last evaluated 2024-01-02.

Conditions:
Autosomal dominant nonsyndromic hearing loss 13. Identifiers: Orphanet 90635, MedGen C1866095, MONDO:0011159, OMIM 601868.
Intellectual disability. Also called: intellectual disabilities; Intellectual developmental disorder; Intellectual functioning disability. Identifiers: MedGen C3714756, MeSH D008607, MONDO:0001071, HP:0001249.

Allele frequency attached by ClinVar (database versions not stated): gnomAD exomes below 0.00001; TOPMed 0.00001.
gnomAD v4.1: 8 of 1,614,048 alleles (0.0005%); highest among the groups gnomAD compares: Admixed American, 0.0017%; no homozygotes.

Submissions (3):

Labcorp Genetics (formerly Invitae), Labcorp
Classification: Likely benign. Last evaluated: 2024-01-02. Review status: criteria provided, single submitter. Criteria: Invitae Variant Classification Sherloc (09022015). Collection method: clinical testing. Allele origin: germline.

Institute of Human Genetics, University of Leipzig Medical Center
Classification: Uncertain significance for Intellectual disability. Last evaluated: 2020-08-03. Review status: criteria provided, single submitter. Criteria: ACMG Guidelines, 2015. Collection method: clinical testing. Allele origin: unknown. Affected: yes.
Comment: Inheritance for this variant was unknown.

Institute of Human Genetics, University of Leipzig Medical Center
Classification: Uncertain significance for Autosomal dominant nonsyndromic hearing loss 13. Last evaluated: 2018-07-11. Review status: criteria provided, single submitter. Criteria: ACMG Guidelines, 2015. Collection method: clinical testing. Allele origin: germline. Affected: yes. Observed: 1 variant allele.

NM_080680.3(COL11A2):c.3676G>A (p.Glu1226Lys)

Gene: COL11A2 (collagen type XI alpha 2 chain; minus strand). Cytogenetic location: 6p21.32.
Variant type: single nucleotide variant.
Coding change: c.3676G>A on transcript NM_080680.3 (MANE Select); coding-DNA position 3676, G replaced by A.
Protein change: p.Glu1226Lys; replaces glutamic acid 1226 with lysine.
Molecular consequence: missense variant.
Genome position (GRCh38, 1-based): chr6:33,169,845, C>T on the plus strand (G>A on the coding strand, the complement: COL11A2 is on the minus strand). VCF-style: chr6-33169845-C-T. GRCh37 (hg19) VCF-style: chr6-33137622-C-T.
Other names: c.3355G>A, p.Glu1119Lys (NM_080679.3); c.3418G>A, p.Glu1140Lys (NM_080681.3); short protein forms E1119K, E1140K, E1226K.
Identifiers: ClinVar variation 976074 (VCV000976074.5), dbSNP rs1259912377, ClinGen allele CA363628372.